The following is an entry in ClinVar:

ClinVar aggregate classification (germline): Pathogenic (1 of 4 stars; one submission).

Submission:

Labcorp Genetics (formerly Invitae), Labcorp
Classification: Pathogenic. Last evaluated: 2019-06-07. Review status: criteria provided, single submitter. Criteria: Invitae Variant Classification Sherloc (09022015). Collection method: clinical testing. Allele origin: germline.
Comment: Loss-of-function variants in RETREG1 are known to be pathogenic (PMID: 19838196). For these reasons, this variant has been classified as Pathogenic. This variant has not been reported in the literature in individuals with RETREG1-related conditions. The frequency data for this variant in the population databases is considered unreliable, as metrics indicate insufficient coverage at this position in the ExAC database. This sequence change creates a premature translational stop signal (p.Cys14Trpfs*68) in the RETREG1 gene. It is expected to result in an absent or disrupted protein product.

Literature cited by the submitters: PubMed 19838196.

NM_001034850.3(RETREG1):c.4_41dup (p.Cys14fs)

Genes: RETREG1 (reticulophagy regulator 1; minus strand), RETREG1-AS1 (RETREG1 antisense RNA 1; plus strand), LOC129993734 (ATAC-STARR-seq lymphoblastoid silent region 15947; plus strand). Cytogenetic location: 5p15.1.
Variant type: Duplication.
Coding change: c.4_41dup on transcript NM_001034850.3 (MANE Select); coding-DNA positions 4 to 41, 38 bases duplicated.
Protein change: p.Cys14fs; shifts the reading frame from cysteine 14.
Molecular consequence: frameshift variant, initiator codon variant.
Genome position (GRCh38, 1-based): chr5:16,616,931-16,616,968, 38 bases duplicated; duplicating any 38 consecutive bases within chr5:16,616,931-16,616,972 gives the same sequence; the c. name uses the placement nearest the transcript's 3' end. GRCh37 (hg19): chr5:16,617,044-16,617,081.
Other names: short protein forms C14fs.
Identifiers: ClinVar variation 933579 (VCV000933579.8), dbSNP rs1743537160, ClinGen allele CA1139658767.